The following is an entry in ClinVar:

ClinVar aggregate classification (germline): Uncertain significance. Review status: criteria provided, multiple submitters, no conflicts (2 of 4 stars). 2 submissions from 2 submitters: Uncertain significance (2). Last evaluated 2023-11-29.

Conditions:
Inborn genetic diseases. Identifiers: MedGen C0950123, MeSH D030342.

Allele frequency attached by ClinVar (database versions not stated): TOPMed below 0.00001.
gnomAD v4.1: 3 of 1,587,528 alleles (0.00019%); highest among the groups gnomAD compares: East Asian, 0.0046%; no homozygotes.

Submissions (2):

GeneDx
Classification: Uncertain significance. Last evaluated: 2023-11-29. Review status: criteria provided, single submitter. Criteria: GeneDx Variant Classification Process June 2021. Collection method: clinical testing. Allele origin: germline. Affected: yes.
Comment: Not observed at significant frequency in large population cohorts (gnomAD); In silico analysis supports that this missense variant does not alter protein structure/function; Has not been previously published as pathogenic or benign to our knowledge

Ambry Genetics
Classification: Uncertain significance for Inborn genetic diseases. Last evaluated: 2023-08-05. Review status: criteria provided, single submitter. Criteria: Ambry Variant Classification Scheme 2023. Collection method: clinical testing. Allele origin: germline.

NM_005883.3(APC2):c.3610C>G (p.Gln1204Glu)

Gene: APC2 (APC regulator of WNT signaling pathway 2; plus strand). Cytogenetic location: 19p13.3.
Variant type: single nucleotide variant.
Coding change: c.3610C>G on transcript NM_005883.3 (MANE Select); coding-DNA position 3610, C replaced by G.
Protein change: p.Gln1204Glu; replaces glutamine 1204 with glutamic acid.
Molecular consequence: missense variant.
Genome position (GRCh38, 1-based): chr19:1,466,911, C>G. VCF-style: chr19-1466911-C-G. GRCh37 (hg19) VCF-style: chr19-1466910-C-G.
Other names: c.3607C>G, p.Gln1203Glu (NM_001351273.1); short protein forms Q1203E, Q1204E.
Identifiers: ClinVar variation 2616586 (VCV002616586.3), dbSNP rs1452078329, ClinGen allele CA403031128.